The following is an entry in ClinVar:

NM_000368.5(TSC1):c.3086G>T (p.Ser1029Ile)

Gene: TSC1 (TSC complex subunit 1; minus strand). Cytogenetic location: 9q34.13.
Variant type: single nucleotide variant.
Coding change: c.3086G>T on transcript NM_000368.5 (MANE Select); coding-DNA position 3086, G replaced by T.
Protein change: p.Ser1029Ile; replaces serine 1029 with isoleucine.
Molecular consequence: missense variant.
Genome position (GRCh38, 1-based): chr9:132,896,644, C>A on the plus strand (G>T on the coding strand, the complement: TSC1 is on the minus strand). VCF-style: chr9-132896644-C-A. GRCh37 (hg19) VCF-style: chr9-135772031-C-A.
Other names: p.S1029I:AGT>ATT; c.3083G>T, p.Ser1028Ile (NM_001162426.2); c.2933G>T, p.Ser978Ile (NM_001162427.2); c.2723G>T, p.Ser908Ile (NM_001362177.2); short protein forms S1029I, S978I, S1028I, S908I.
Identifiers: ClinVar variation 207639 (VCV000207639.16), dbSNP rs796053450, ClinGen allele CA319312.

ClinVar aggregate classification (germline): Conflicting classifications of pathogenicity. Review status: criteria provided, conflicting classifications (1 of 4 stars). 6 submissions from 6 submitters: Uncertain significance (5); Likely benign (1). Last evaluated 2025-09-18.

Conditions:
Hereditary cancer-predisposing syndrome. Also called: Hereditary Cancer Syndrome; Tumor predisposition; Hereditary neoplastic syndrome; Neoplastic Syndromes, Hereditary. Identifiers: Orphanet 140162, MedGen C0027672, MeSH D009386, MONDO:0015356.
Tuberous sclerosis syndrome (TSC). Also called: Tuberous sclerosis; Tuberous Sclerosis Complex. Identifiers: Orphanet 805, MedGen C0041341, MONDO:0001734.
Tuberous sclerosis 1 (TSC1). Identifiers: Orphanet 805, MedGen C1854465, MONDO:0008612, OMIM 191100.

Allele frequency attached by ClinVar (database versions not stated): gnomAD exomes below 0.00001.
gnomAD v4.1: 24 of 1,613,996 alleles (0.0015%); highest among the groups gnomAD compares: Non-Finnish European, 0.002%; no homozygotes.

Submissions (6):

Color Diagnostics, LLC DBA Color Health
Classification: Uncertain significance for Tuberous sclerosis syndrome. Last evaluated: 2025-09-18. Review status: criteria provided, single submitter. Criteria: ACMG Guidelines, 2015. Collection method: clinical testing. Allele origin: germline.
Comment: This missense variant replaces serine with isoleucine at codon 1029 of the TSC1 protein. Computational prediction suggests that this variant may not impact protein structure and function. To our knowledge, functional studies have not been reported for this variant. This variant has not been reported in individuals affected with TSC1-related disorders in the literature. This variant has been identified in 1/249308 chromosomes in the general population by the Genome Aggregation Database (gnomAD). The available evidence is insufficient to determine the role of this variant in disease conclusively. Therefore, this variant is classified as a Variant of Uncertain Significance.

Labcorp Genetics (formerly Invitae), Labcorp
Classification: Likely benign for Tuberous sclerosis 1. Last evaluated: 2024-11-26. Review status: criteria provided, single submitter. Criteria: Invitae Variant Classification Sherloc (09022015). Collection method: clinical testing. Allele origin: germline.

Ambry Genetics
Classification: Uncertain significance for Hereditary cancer-predisposing syndrome. Last evaluated: 2024-05-26. Review status: criteria provided, single submitter. Criteria: Ambry Variant Classification Scheme 2023. Collection method: clinical testing. Allele origin: germline.
Comment: The p.S1029I variant (also known as c.3086G>T), located in coding exon 21 of the TSC1 gene, results from a G to T substitution at nucleotide position 3086. The serine at codon 1029 is replaced by isoleucine, an amino acid with dissimilar properties. This amino acid position is conserved. In addition, this alteration is predicted to be tolerated by in silico analysis. Based on the available evidence, the clinical significance of this variant remains unclear.

St. Jude Molecular Pathology, St. Jude Children's Research Hospital
Classification: Uncertain significance for Tuberous sclerosis 1. Last evaluated: 2023-04-27. Review status: criteria provided, single submitter. Criteria: St. Jude Assertion Criteria 2020. Collection method: clinical testing. Allele origin: germline.
Comment: The TSC1 c.3086G>T (p.Ser1029Ile) missense change has a maximum subpopulation frequency of 0.0009% in gnomAD v2.1.1. The in silico tool REVEL predicts a benign effect on protein function, but this prediction has not been confirmed by functional studies. This variant has not been reported in individuals with tuberous sclerosis complex. In summary, the evidence currently available is insufficient to determine the clinical significance of this variant. It has therefore been classified as of uncertain significance.

Genome-Nilou Lab
Classification: Uncertain significance for Tuberous sclerosis 1. Last evaluated: 2021-11-07. Review status: criteria provided, single submitter. Criteria: ACMG Guidelines, 2015. Collection method: clinical testing. Allele origin: germline. Affected: no.

GeneDx
Classification: Uncertain significance. Last evaluated: 2014-11-20. Review status: criteria provided, single submitter. Criteria: GeneDx Variant Classification (06012015). Collection method: clinical testing. Allele origin: germline. Affected: yes.
Comment: p.Ser1029Ile (AGT>ATT): c.3086 G>T in exon 23 of the TSC1 gene (NM_000368.4). The S1029I variant has not been published as a mutation, nor has it been reported as a benign polymorphism to our knowledge. It was not observed in approximately 6,500 individuals of European and African American ancestry in the NHLBI Exome Sequencing Project, indicating it is not a common benign variant in these populations. The S1029I variant is a non-conservative amino acid substitution, which is likely to impact secondary protein structure as these residues differ in polarity, charge, size and/or other properties. However, this substitution occurs at a position that is not conserved across species, and in silico analysis predicts this variant likely does not alter the protein structure/function. Additionally, the vast majority of TSC1 mutations result in protein truncation, while missense mutations have been reported only rarely (Northrup et al., 2011; Au et al., 2007). Therefore, based on the currently available information, it is unclear whether S1029I is a pathogenic mutation or a rare benign variant. The variant is found in TUBSC-EPIV2,TSC1 panel(s).